The following is an entry in ClinVar:

NM_144992.5(VWA3B):c.1686A>G (p.Glu562=)

Gene: VWA3B (von Willebrand factor A domain containing 3B; plus strand). Cytogenetic location: 2q11.2.
Variant type: single nucleotide variant.
Coding change: c.1686A>G on transcript NM_144992.5 (MANE Select); coding-DNA position 1686, A replaced by G.
Protein change: p.Glu562=; no amino-acid change (glutamic acid 562 retained).
Molecular consequence: synonymous variant. On other transcripts: non-coding transcript variant (3).
Genome position (GRCh38, 1-based): chr2:98,194,441, A>G. VCF-style: chr2-98194441-A-G. GRCh37 (hg19) VCF-style: chr2-98810904-A-G.
Other names: NC_000002.11:g.98810904A>G; c.657A>G, p.Glu219= (NM_001345864.2).
Identifiers: ClinVar variation 781682 (VCV000781682.29), dbSNP rs139485698, ClinGen allele CA1792636.

ClinVar aggregate classification (germline): Benign/Likely benign. Review status: criteria provided, multiple submitters, no conflicts (2 of 4 stars). 2 submissions from 2 submitters: Benign (1); Likely benign (1). Last evaluated 2026-01-01.

Allele frequency attached by ClinVar (database versions not stated): 1000 Genomes Project 0.00160; 1000 Genomes Project 30x 0.00203; gnomAD 0.00413 and 0.00416; TOPMed 0.00441; ExAC 0.00453; gnomAD exomes 0.00469 and 0.00588; ESP Exome Variant Server 0.00518.
gnomAD v4.1: 9,221 of 1,614,102 alleles (0.57%); highest among the groups gnomAD compares: Non-Finnish European, 0.64%; 46 homozygotes.

Submissions (10):

CeGaT Center for Human Genetics Tuebingen
Classification: Likely benign. Last evaluated: 2026-01-01. Review status: criteria provided, single submitter. Criteria: CeGaT Center For Human Genetics Tuebingen Variant Classification Criteria Version 2. Collection method: clinical testing. Allele origin: germline. Affected: yes. Observed: 5 variant alleles.
Comment: VWA3B: BP4, BP7, BS2

Labcorp Genetics (formerly Invitae), Labcorp
Classification: Benign. Last evaluated: 2019-12-31. Review status: criteria provided, single submitter. Criteria: Invitae Variant Classification Sherloc (09022015). Collection method: clinical testing. Allele origin: germline.

Dr. Peter K. Rogan Lab, Western University
No classification provided (evidence only). Condition: Clear cell carcinoma of kidney. Review status: no classification provided. Collection method: in vitro. Allele origin: not applicable. Functional consequence: retained intron. Not counted in ClinVar's aggregate classification.

Dr. Peter K. Rogan Lab, Western University
No classification provided (evidence only). Condition: Melanoma. Review status: no classification provided. Collection method: in vitro. Allele origin: not applicable. Functional consequence: retained intron. Not counted in ClinVar's aggregate classification.

Dr. Peter K. Rogan Lab, Western University
No classification provided (evidence only). Condition: Melanoma. Review status: no classification provided. Collection method: in vitro. Allele origin: not applicable. Functional consequence: retained intron. Not counted in ClinVar's aggregate classification.

Dr. Peter K. Rogan Lab, Western University
No classification provided (evidence only). Condition: Thyroid cancer, nonmedullary, 1. Review status: no classification provided. Collection method: in vitro. Allele origin: not applicable. Functional consequence: retained intron. Not counted in ClinVar's aggregate classification.

Dr. Peter K. Rogan Lab, Western University
No classification provided (evidence only). Condition: Thyroid cancer, nonmedullary, 1. Review status: no classification provided. Collection method: in vitro. Allele origin: not applicable. Functional consequence: retained intron. Not counted in ClinVar's aggregate classification.

Dr. Peter K. Rogan Lab, Western University
No classification provided (evidence only). Condition: Thyroid cancer, nonmedullary, 1. Review status: no classification provided. Collection method: in vitro. Allele origin: not applicable. Functional consequence: retained intron. Not counted in ClinVar's aggregate classification.

Dr. Peter K. Rogan Lab, Western University
No classification provided (evidence only). Condition: Gastric cancer. Review status: no classification provided. Collection method: in vitro. Allele origin: not applicable. Functional consequence: retained intron. Not counted in ClinVar's aggregate classification.

Dr. Peter K. Rogan Lab, Western University
No classification provided (evidence only). Condition: Malignant tumor of esophagus. Review status: no classification provided. Collection method: in vitro. Allele origin: not applicable. Functional consequence: retained intron. Not counted in ClinVar's aggregate classification.